The following is an entry in ClinVar:

ClinVar aggregate classification (germline): Uncertain significance (1 of 4 stars; one submission).

Conditions:
Fanconi anemia complementation group J. Also called: BRIP1-Related Fanconi Anemia. Identifiers: Orphanet 84, MedGen C1836860, MONDO:0012187, OMIM 609054.
Familial cancer of breast. Also called: Hereditary breast cancer; hereditary breast carcinoma; BREAST CANCER, FAMILIAL. Identifiers: Orphanet 227535, MedGen C0346153, MONDO:0016419, OMIM 114480. Disease mechanism: loss of function.

Submission:

Labcorp Genetics (formerly Invitae), Labcorp
Classification: Uncertain significance for Familial cancer of breast; Fanconi anemia complementation group J. Last evaluated: 2025-07-02. Review status: criteria provided, single submitter. Criteria: Invitae Variant Classification Sherloc (09022015). Collection method: clinical testing. Allele origin: germline.
Comment: This sequence change replaces tryptophan, which is neutral and slightly polar, with cysteine, which is neutral and slightly polar, at codon 335 of the BRIP1 protein (p.Trp335Cys). This variant is not present in population databases (gnomAD no frequency). This variant has not been reported in the literature in individuals affected with BRIP1-related conditions. Invitae Evidence Modeling of protein sequence and biophysical properties (such as structural, functional, and spatial information, amino acid conservation, physicochemical variation, residue mobility, and thermodynamic stability) indicates that this missense variant is expected to disrupt BRIP1 protein function with a positive predictive value of 95%. In summary, the available evidence is currently insufficient to determine the role of this variant in disease. Therefore, it has been classified as a Variant of Uncertain Significance.

NM_032043.3(BRIP1):c.1005G>T (p.Trp335Cys)

Gene: BRIP1 (BRCA1 interacting DNA helicase 1; minus strand). Cytogenetic location: 17q23.2.
Variant type: single nucleotide variant.
Coding change: c.1005G>T on transcript NM_032043.3 (MANE Select); coding-DNA position 1005, G replaced by T.
Protein change: p.Trp335Cys; replaces tryptophan 335 with cysteine.
Molecular consequence: missense variant.
Genome position (GRCh38, 1-based): chr17:61,801,388, C>A on the plus strand (G>T on the coding strand, the complement: BRIP1 is on the minus strand). VCF-style: chr17-61801388-C-A. GRCh37 (hg19) VCF-style: chr17-59878749-C-A.
Other names: short protein forms W335C.
Identifiers: ClinVar variation 4783587 (VCV004783587.1).